The following is an entry in ClinVar:

NM_003579.4(RAD54L):c.1978G>A (p.Glu660Lys)

Genes: LRRC41 (leucine rich repeat containing 41; minus strand), RAD54L (RAD54 like; plus strand). Cytogenetic location: 1p34.1.
Variant type: single nucleotide variant.
Coding change: c.1978G>A on transcript NM_003579.4 (MANE Select); coding-DNA position 1978, G replaced by A.
Protein change: p.Glu660Lys; replaces glutamic acid 660 with lysine.
Molecular consequence: missense variant. On other transcripts: 3 prime UTR variant (1).
Genome position (GRCh38, 1-based): chr1:46,277,925, G>A. VCF-style: chr1-46277925-G-A. GRCh37 (hg19) VCF-style: chr1-46743597-G-A.
Other names: c.*940C>T (NM_006369.5); c.1978G>A, p.Glu660Lys (NM_001142548.2); c.1438G>A, p.Glu480Lys (NM_001370766.1); short protein forms E660K, E480K.
Identifiers: ClinVar variation 1783749 (VCV001783749.2), dbSNP rs374201630, ClinGen allele CA834781.

ClinVar aggregate classification (germline): Uncertain significance (1 of 4 stars; one submission).

Allele frequency attached by ClinVar (database versions not stated): gnomAD 0.00001; TOPMed 0.00002; ExAC 0.00003; ESP Exome Variant Server 0.00008.
gnomAD v4.1: 18 of 1,614,010 alleles (0.0011%); highest among the groups gnomAD compares: East Asian, 0.0022%; no homozygotes.

Submission:

Ambry Genetics
Classification: Uncertain significance. Last evaluated: 2023-09-16. Review status: criteria provided, single submitter. Criteria: Ambry Variant Classification Scheme 2023. Collection method: clinical testing. Allele origin: germline.
Comment: The p.E660K variant (also known as c.1978G>A), located in coding exon 17 of the RAD54L gene, results from a G to A substitution at nucleotide position 1978. The glutamic acid at codon 660 is replaced by lysine, an amino acid with similar properties. This amino acid position is conserved. In addition, this alteration is predicted to be deleterious by in silico analysis. Since supporting evidence is limited at this time, the clinical significance of this alteration remains unclear.